The following is an entry in ClinVar:

ClinVar aggregate classification (germline): Likely benign. Review status: criteria provided, multiple submitters, no conflicts (2 of 4 stars). 2 submissions from 2 submitters: Likely benign (2). Last evaluated 2025-12-02.

Conditions:
Mowat-Wilson syndrome (MOWS). Also called: Classic Mowat-Wilson Syndrome. Identifiers: Orphanet 2152, MedGen C1856113, MONDO:0009341, OMIM 235730.

Allele frequency attached by ClinVar (database versions not stated): gnomAD exomes below 0.00001; gnomAD 0.00004 and 0.00005; TOPMed 0.00005.
gnomAD v4.1: 13 of 1,613,960 alleles (0.00081%); highest among the groups gnomAD compares: African/African-American, 0.016%; no homozygotes.

Submissions (2):

Labcorp Genetics (formerly Invitae), Labcorp
Classification: Likely benign for Mowat-Wilson syndrome. Last evaluated: 2025-12-02. Review status: criteria provided, single submitter. Criteria: Invitae Variant Classification Sherloc (09022015). Collection method: clinical testing. Allele origin: germline.

GeneDx
Classification: Likely benign. Last evaluated: 2016-12-15. Review status: criteria provided, single submitter. Criteria: GeneDx Variant Classification (06012015). Collection method: clinical testing. Allele origin: germline. Affected: yes.
Comment: This variant is considered likely benign or benign based on one or more of the following criteria: it is a conservative change, it occurs at a poorly conserved position in the protein, it is predicted to be benign by multiple in silico algorithms, and/or has population frequency not consistent with disease.

NM_014795.4(ZEB2):c.621T>C (p.Phe207=)

Gene: ZEB2 (zinc finger E-box binding homeobox 2; minus strand). Cytogenetic location: 2q22.3.
Variant type: single nucleotide variant.
Coding change: c.621T>C on transcript NM_014795.4 (MANE Select); coding-DNA position 621, T replaced by C.
Protein change: p.Phe207=; no amino-acid change (phenylalanine 207 retained).
Molecular consequence: synonymous variant.
Genome position (GRCh38, 1-based): chr2:144,404,102, A>G on the plus strand (T>C on the coding strand, the complement: ZEB2 is on the minus strand). VCF-style: chr2-144404102-A-G. GRCh37 (hg19) VCF-style: chr2-145161669-A-G.
Other names: c.549T>C, p.Phe183= (NM_001171653.2).
Identifiers: ClinVar variation 391948 (VCV000391948.11), dbSNP rs934470843, ClinGen allele CA16603814.
Genomic context (GRCh38, chr2:144,404,102, plus strand): 5'-CTTCAGTGATGTCAAGCGCTTGTAGCCCCGGTCGCAGTAGGGGCAGGTCAGCAGTTGGGC[A>G]AAAGCATCTGGAGTTCCAGGTGGCAGGTCTGTAGCCGAGAGACAGAGAGAGAGAGAAGCG-3'
Protein context (NP_055610.1, residues 197-217): NDLPPGTPDA[Phe207=]AQLLTCPYCD